The following is an entry in ClinVar:

NM_024685.4(BBS10):c.783A>G (p.Thr261=)

Gene: BBS10 (Bardet-Biedl syndrome 10; minus strand). Cytogenetic location: 12q21.2.
Variant type: single nucleotide variant.
Coding change: c.783A>G on transcript NM_024685.4 (MANE Select); coding-DNA position 783, A replaced by G.
Protein change: p.Thr261=; no amino-acid change (threonine 261 retained).
Molecular consequence: synonymous variant.
Genome position (GRCh38, 1-based): chr12:76,347,202, T>C on the plus strand (A>G on the coding strand, the complement: BBS10 is on the minus strand). VCF-style: chr12-76347202-T-C. GRCh37 (hg19) VCF-style: chr12-76740982-T-C.
Identifiers: ClinVar variation 700595 (VCV000700595.12), dbSNP rs768475584, ClinGen allele CA6694287.
Genomic context (GRCh38, chr12:76,347,202, plus strand): 5'-TGCTTCTGAATTTAGAATAAACTCTGATCCAGAAGTGGAAAAAAGAGGCTGAATGGTTTC[T>C]GTTACTATCACCATTCGCATGTCACCATCTGCTGGGCGGTACACAGAAAAATCTTTCTGA-3'
Protein context (NP_078961.3, residues 251-271): ADGDMRMVIV[Thr261=]ETIQPLFSTS

ClinVar aggregate classification (germline): Likely benign. Review status: criteria provided, multiple submitters, no conflicts (2 of 4 stars). 4 submissions from 4 submitters: Likely benign (2). 2 of the submissions do not count toward it. Last evaluated 2025-12-11.

Conditions:
Bardet-Biedl syndrome (BBS). Identifiers: Orphanet 110, MedGen C0752166, MONDO:0015229.
Bardet-Biedl syndrome 10 (BBS10). Identifiers: Orphanet 110, MedGen C1859568, MONDO:0014438, OMIM 615987.
BBS10-related disorder. Also called: BBS10-related condition.

Allele frequency attached by ClinVar (database versions not stated): gnomAD 0.00001; gnomAD exomes 0.00001 and 0.00002; ExAC 0.00002; TOPMed 0.00003.
gnomAD v4.1: 25 of 1,611,482 alleles (0.0016%); highest among the groups gnomAD compares: East Asian, 0.016%; no homozygotes.

Submissions (4):

Labcorp Genetics (formerly Invitae), Labcorp
Classification: Likely benign for Bardet-Biedl syndrome. Last evaluated: 2025-12-11. Review status: criteria provided, single submitter. Criteria: Invitae Variant Classification Sherloc (09022015). Collection method: clinical testing. Allele origin: germline.

Blueprint Genetics
Classification: Likely benign. Last evaluated: 2021-06-23. Review status: criteria provided, single submitter. Criteria: ACMG Guidelines, 2015. Collection method: clinical testing. Allele origin: germline.

PreventionGenetics, part of Exact Sciences
Classification: Likely benign for BBS10-related condition. Last evaluated: 2024-06-25. Review status: no assertion criteria provided. Collection method: clinical testing. Allele origin: germline. Not counted in ClinVar's aggregate classification.
Comment: This variant is classified as likely benign based on ACMG/AMP sequence variant interpretation guidelines (Richards et al. 2015 PMID: 25741868, with internal and published modifications).

Natera, Inc.
Classification: Uncertain significance for Bardet-Biedl syndrome type 10. Last evaluated: 2020-01-24. Review status: no assertion criteria provided. Collection method: clinical testing. Allele origin: germline. Not counted in ClinVar's aggregate classification.